The following is an entry in ClinVar:

ClinVar aggregate classification (germline): Uncertain significance (1 of 4 stars; one submission).

Conditions:
Neuropathy, hereditary sensory and autonomic, type 2A (HSAN2A). Also called: ACROOSTEOLYSIS, GIACCAI TYPE; ACROOSTEOLYSIS, NEUROGENIC; MORVAN DISEASE; NEUROPATHY, CONGENITAL SENSORY; NEUROPATHY, HEREDITARY SENSORY RADICULAR, AUTOSOMAL RECESSIVE; NEUROPATHY, HEREDITARY SENSORY, TYPE IIA. Identifiers: Orphanet 970, MedGen C2752089, MONDO:0024309, OMIM 201300.
Pseudohypoaldosteronism type 2C (PHA2C). Also called: Pseudohypoaldosteronism Type IIC. Identifiers: Orphanet 757, Orphanet 88940, MedGen C1840391, MONDO:0013778, OMIM 614492.

Allele frequency attached by ClinVar (database versions not stated): gnomAD exomes below 0.00001; ExAC 0.00001; TOPMed 0.00001.
gnomAD v4.1: 2 of 1,614,222 alleles (0.00012%); highest among the groups gnomAD compares: Non-Finnish European, 0.00017%; no homozygotes.

Submission:

Labcorp Genetics (formerly Invitae), Labcorp
Classification: Uncertain significance for Neuropathy, hereditary sensory and autonomic, type 2A; Pseudohypoaldosteronism type 2C. Last evaluated: 2025-10-28. Review status: criteria provided, single submitter. Criteria: Invitae Variant Classification Sherloc (09022015). Collection method: clinical testing. Allele origin: germline.
Comment: This sequence change replaces leucine, which is neutral and non-polar, with proline, which is neutral and non-polar, at codon 1699 of the WNK1 protein (p.Leu1699Pro). This variant is not present in population databases (gnomAD no frequency). This variant has not been reported in the literature in individuals affected with WNK1-related conditions. ClinVar contains an entry for this variant (Variation ID: 2940987). Invitae Evidence Modeling of protein sequence and biophysical properties (such as structural, functional, and spatial information, amino acid conservation, physicochemical variation, residue mobility, and thermodynamic stability) indicates that this missense variant is not expected to disrupt WNK1 protein function with a negative predictive value of 95%. In summary, the available evidence is currently insufficient to determine the role of this variant in disease. Therefore, it has been classified as a Variant of Uncertain Significance.

NM_018979.4(WNK1):c.4340T>C (p.Leu1447Pro)

Gene: WNK1 (WNK lysine deficient protein kinase 1; plus strand). Cytogenetic location: 12p13.33.
Variant type: single nucleotide variant.
Coding change: c.4340T>C on transcript NM_018979.4 (MANE Select); coding-DNA position 4340, T replaced by C.
Protein change: p.Leu1447Pro; replaces leucine 1447 with proline.
Molecular consequence: missense variant.
Genome position (GRCh38, 1-based): chr12:885,144, T>C. VCF-style: chr12-885144-T-C. GRCh37 (hg19) VCF-style: chr12-994310-T-C.
Other names: c.5120T>C, p.Leu1707Pro (NM_001184985.2); c.3599T>C, p.Leu1200Pro (NM_014823.3); c.5096T>C, p.Leu1699Pro (NM_213655.5); short protein forms L1707P, L1200P, L1447P, L1699P.
Identifiers: ClinVar variation 2940987 (VCV002940987.3), dbSNP rs763409077, ClinGen allele CA6382958.